The following is an entry in ClinVar:

ClinVar aggregate classification (germline): Uncertain significance (1 of 4 stars; one submission).

Submission:

GeneDx
Classification: Uncertain significance. Last evaluated: 2025-05-02. Review status: criteria provided, single submitter. Criteria: GeneDx Variant Classification Process June 2021. Collection method: clinical testing. Allele origin: germline. Affected: yes.
Comment: Not observed at significant frequency in large population cohorts (gnomAD); In silico analysis suggests that this missense variant does not alter protein structure/function; Has not been previously published as pathogenic or benign to our knowledge

NM_000341.4(SLC3A1):c.1977A>C (p.Gln659His)

Genes: PREPL (prolyl endopeptidase like; minus strand), SLC3A1 (solute carrier family 3 member 1; plus strand). Cytogenetic location: 2p21.
Variant type: single nucleotide variant.
Coding change: c.1977A>C on transcript NM_000341.4 (MANE Select); coding-DNA position 1977, A replaced by C.
Protein change: p.Gln659His; replaces glutamine 659 with histidine.
Molecular consequence: missense variant. On other transcripts: 3 prime UTR variant (10).
Genome position (GRCh38, 1-based): chr2:44,320,558, A>C. VCF-style: chr2-44320558-A-C. GRCh37 (hg19) VCF-style: chr2-44547697-A-C.
Other names: c.*798T>G (NM_001042385.2, NM_001042386.2, NM_001171603.1 and 7 more transcripts); short protein forms Q659H.
Identifiers: ClinVar variation 4527962 (VCV004527962.1).